The following is an entry in ClinVar:

NM_000481.4(AMT):c.194A>G (p.His65Arg)

Gene: AMT (aminomethyltransferase; minus strand). Cytogenetic location: 3p21.31.
Variant type: single nucleotide variant.
Coding change: c.194A>G on transcript NM_000481.4 (MANE Select); coding-DNA position 194, A replaced by G.
Protein change: p.His65Arg; replaces histidine 65 with arginine.
Molecular consequence: missense variant. On other transcripts: non-coding transcript variant (1), intron variant (1).
Genome position (GRCh38, 1-based): chr3:49,422,168, T>C on the plus strand (A>G on the coding strand, the complement: AMT is on the minus strand). VCF-style: chr3-49422168-T-C. GRCh37 (hg19) VCF-style: chr3-49459601-T-C.
Other names: c.194A>G, p.His65Arg (NM_001164710.2, NM_001164712.2); c.90+193A>G (NM_001164711.2); short protein forms H65R.
Identifiers: ClinVar variation 899722 (VCV000899722.12), dbSNP rs376248724, ClinGen allele CA2398450.
Genomic context (GRCh38, chr3:49,422,168, plus strand): 5'-AGCATATGAGACACGTCAAAGAGCGAGCAGTGCTGGCGTGTGTGCAGGTGCGAGTCAGTG[T>C]GACTGTCCCGGTACTGCACTGGCAGACTCCAACCCGCAAACGCCACCATTTTCCCGCCGT-3'
Protein context (NP_000472.2, residues 55-75): WSLPVQYRDS[His65Arg]TDSHLHTRQH

ClinVar aggregate classification (germline): Uncertain significance. Review status: criteria provided, multiple submitters, no conflicts (2 of 4 stars). 4 submissions from 4 submitters: Uncertain significance (3). 1 of the submissions does not count toward it. Last evaluated 2024-01-08.

Conditions:
Glycine encephalopathy. Also called: Non-ketotic hyperglycinemia; Nonketotic hyperglycinemia. Identifiers: Orphanet 407, MedGen C0751748, MONDO:0011612, HP:0008288.

Allele frequency attached by ClinVar (database versions not stated): ExAC 0.00007; TOPMed 0.00007; ESP Exome Variant Server 0.00008; gnomAD 0.00008 and 0.00010; gnomAD exomes 0.00008 and 0.00010.
gnomAD v4.1: 160 of 1,613,820 alleles (0.0099%); highest among the groups gnomAD compares: Non-Finnish European, 0.012%; no homozygotes.

Submissions (4):

Labcorp Genetics (formerly Invitae), Labcorp
Classification: Uncertain significance for Glycine encephalopathy. Last evaluated: 2024-01-08. Review status: criteria provided, single submitter. Criteria: Invitae Variant Classification Sherloc (09022015). Collection method: clinical testing. Allele origin: germline.
Comment: This sequence change replaces histidine, which is basic and polar, with arginine, which is basic and polar, at codon 65 of the AMT protein (p.His65Arg). This variant is present in population databases (rs376248724, gnomAD 0.01%). This variant has not been reported in the literature in individuals affected with AMT-related conditions. ClinVar contains an entry for this variant (Variation ID: 899722). Advanced modeling of protein sequence and biophysical properties (such as structural, functional, and spatial information, amino acid conservation, physicochemical variation, residue mobility, and thermodynamic stability) has been performed at Invitae for this missense variant, however the output from this modeling did not meet the statistical confidence thresholds required to predict the impact of this variant on AMT protein function. In summary, the available evidence is currently insufficient to determine the role of this variant in disease. Therefore, it has been classified as a Variant of Uncertain Significance.

Fulgent Genetics
Classification: Uncertain significance for Glycine encephalopathy 1. Last evaluated: 2021-10-13. Review status: criteria provided, single submitter. Criteria: ACMG Guidelines, 2015. Collection method: clinical testing. Allele origin: unknown.

Illumina Laboratory Services, Illumina
Classification: Uncertain significance for Glycine encephalopathy 1. Last evaluated: 2018-01-12. Review status: criteria provided, single submitter. Criteria: ICSL Variant Classification Criteria 13 December 2019. Collection method: clinical testing. Allele origin: germline.

Natera, Inc.
Classification: Uncertain significance for Non-ketotic hyperglycinemia. Last evaluated: 2020-02-13. Review status: no assertion criteria provided. Collection method: clinical testing. Allele origin: germline. Not counted in ClinVar's aggregate classification.